The following is an entry in ClinVar:

NM_001042492.3(NF1):c.2378A>C (p.Asn793Thr)

Gene: NF1 (neurofibromin 1; plus strand). Cytogenetic location: 17q11.2.
Variant type: single nucleotide variant.
Coding change: c.2378A>C on transcript NM_001042492.3 (MANE Select); coding-DNA position 2378, A replaced by C.
Protein change: p.Asn793Thr; replaces asparagine 793 with threonine.
Molecular consequence: missense variant.
Genome position (GRCh38, 1-based): chr17:31,227,575, A>C. VCF-style: chr17-31227575-A-C. GRCh37 (hg19) VCF-style: chr17-29554593-A-C.
Other names: c.2378A>C, p.Asn793Thr (NM_000267.4); short protein forms N793T.
Identifiers: ClinVar variation 484027 (VCV000484027.16), dbSNP rs772543826, ClinGen allele CA8485967.

ClinVar aggregate classification (germline): Conflicting classifications of pathogenicity. Review status: criteria provided, conflicting classifications (1 of 4 stars). 7 submissions from 4 submitters: Uncertain significance (4); Likely benign (3). Last evaluated 2026-06-16.

Conditions:
Neurofibromatosis, type 1 (NF1). Also called: VON RECKLINGHAUSEN DISEASE; Neurofibromatosis, type I; Peripheral type neurofibromatosis; NEUROFIBROMATOSIS, TYPE I, SOMATIC. Identifiers: Orphanet 636, MedGen C0027831, MONDO:0018975, OMIM 162200. Disease mechanism: loss of function.
Neurofibromatosis-Noonan syndrome (NFNS). Also called: NEUROFIBROMATOSIS WITH NOONAN PHENOTYPE. Identifiers: Orphanet 638, MedGen C2931482, MONDO:0011035, OMIM 601321. Disease mechanism: loss of function.
Hereditary cancer-predisposing syndrome. Also called: Neoplastic Syndromes, Hereditary; Hereditary neoplastic syndrome; Hereditary Cancer Syndrome; Tumor predisposition. Identifiers: Orphanet 140162, MedGen C0027672, MeSH D009386, MONDO:0015356.
Cardiovascular phenotype. Identifiers: MedGen CN230736.
Café-au-lait macules with pulmonary stenosis (WTSN). Also called: PULMONIC STENOSIS WITH CAFE-AU-LAIT SPOTS. Identifiers: MedGen C0553586, MONDO:0008672, OMIM 193520.
Neurofibromatosis, familial spinal (FSNF). Identifiers: Orphanet 636, MedGen C1834235, MONDO:0008078, OMIM 162210. Disease mechanism: loss of function.

Allele frequency attached by ClinVar (database versions not stated): TOPMed below 0.00001; gnomAD exomes 0.00001; ExAC 0.00002.
gnomAD v4.1: 20 of 1,613,882 alleles (0.0012%); highest among the groups gnomAD compares: Non-Finnish European, 0.0015%; no homozygotes.

Submissions (7):

Ambry Genetics
Classification: Likely benign for Cardiovascular phenotype; Hereditary cancer-predisposing syndrome. Last evaluated: 2026-06-16. Review status: criteria provided, single submitter. Criteria: Ambry Variant Classification Scheme 2023. Collection method: clinical testing. Allele origin: germline.

Labcorp Genetics (formerly Invitae), Labcorp
Classification: Likely benign for Neurofibromatosis, type 1. Last evaluated: 2025-08-13. Review status: criteria provided, single submitter. Criteria: Invitae Variant Classification Sherloc (09022015). Collection method: clinical testing. Allele origin: germline.

GeneDx
Classification: Uncertain significance. Last evaluated: 2023-05-09. Review status: criteria provided, single submitter. Criteria: GeneDx Variant Classification Process June 2021. Collection method: clinical testing. Allele origin: germline. Affected: yes.
Comment: In silico analysis supports that this missense variant has a deleterious effect on protein structure/function; Has not been previously published as pathogenic or benign to our knowledge; This variant is associated with the following publications: (PMID: 25486365)

Illumina Laboratory Services, Illumina
Classification: Uncertain significance for Neurofibromatosis, familial spinal. Last evaluated: 2018-01-13. Review status: criteria provided, single submitter. Criteria: ICSL Variant Classification Criteria 13 December 2019. Collection method: clinical testing. Allele origin: germline.

Illumina Laboratory Services, Illumina
Classification: Uncertain significance for Neurofibromatosis, type 1. Last evaluated: 2018-01-13. Review status: criteria provided, single submitter. Criteria: ICSL Variant Classification Criteria 13 December 2019. Collection method: clinical testing. Allele origin: germline.

Illumina Laboratory Services, Illumina
Classification: Uncertain significance for Café-au-lait macules with pulmonary stenosis. Last evaluated: 2018-01-13. Review status: criteria provided, single submitter. Criteria: ICSL Variant Classification Criteria 13 December 2019. Collection method: clinical testing. Allele origin: germline.

Illumina Laboratory Services, Illumina
Classification: Likely benign for Neurofibromatosis-Noonan syndrome. Last evaluated: 2018-01-13. Review status: criteria provided, single submitter. Criteria: ICSL Variant Classification Criteria 13 December 2019. Collection method: clinical testing. Allele origin: germline.
Comment: This variant was observed in the ICSL laboratory as part of a predisposition screen in an ostensibly healthy population. It had not been previously curated by ICSL or reported in the Human Gene Mutation Database (HGMD: prior to June 1st, 2018), and was therefore a candidate for classification through an automated scoring system. Utilizing variant allele frequency, disease prevalence and penetrance estimates, and inheritance mode, an automated score was calculated to assess if this variant is too frequent to cause the disease. Based on the score and internal cut-off values, a variant classified as likely benign is not then subjected to further curation. The score for this variant resulted in a classification of likely benign for this disease.